The following is an entry in ClinVar:

ClinVar aggregate classification (germline): Uncertain significance. Review status: criteria provided, multiple submitters, no conflicts (2 of 4 stars). 2 submissions from 2 submitters: Uncertain significance (2). Last evaluated 2023-05-22.

Conditions:
Inborn genetic diseases. Identifiers: MedGen C0950123, MeSH D030342.
Retinitis pigmentosa 33 (RP33). Identifiers: Orphanet 791, MedGen C1835895, MONDO:0012477, OMIM 610359.

Allele frequency attached by ClinVar (database versions not stated): TOPMed below 0.00001; gnomAD 0.00001; gnomAD exomes 0.00001.
gnomAD v4.1: 6 of 1,613,926 alleles (0.00037%); highest among the groups gnomAD compares: Non-Finnish European, 0.00051%; no homozygotes.

Submissions (2):

Ambry Genetics
Classification: Uncertain significance for Inborn genetic diseases. Last evaluated: 2023-05-22. Review status: criteria provided, single submitter. Criteria: Ambry Variant Classification Scheme 2023. Collection method: clinical testing. Allele origin: germline.

Victorian Clinical Genetics Services, Murdoch Childrens Research Institute
Classification: Uncertain significance for Retinitis pigmentosa 33. Last evaluated: 2022-03-31. Review status: criteria provided, single submitter. Criteria: ACMG Guidelines, 2015. Collection method: clinical testing. Allele origin: germline. Affected: yes.
Comment: Based on the classification scheme VCGS_Germline_v1.3.4, this variant is classified as VUS-3B. Following criteria are met: 0105 - The mechanism of disease for this gene is not clearly established. Both loss-of-function and gain-of-function have been suggested, based on different functions of the protein (PMID: 19878916, 24302620). (I) 0108 - This gene is associated with both recessive and dominant disease. However, no clear genotype-phenotype correlation has been established (PMID: 31260034). (I) 0200 - Variant is predicted to result in a missense amino acid change from leucine to proline. (I) 0251 - This variant is heterozygous. (I) 0304 - Variant is present in gnomAD <0.01 (v3: 1 heterozygote, 0 homozygotes). (SP) 0309 - Multiple alternative amino acid changes at the same position have been observed in gnomAD (highest allele count: 3 heterozygotes, 0 homozygotes). (I) 0502 - Missense variant with conflicting in silico predictions and uninformative conservation. (I) 0600 - Variant is located in the annotated Sec 63 domain (DECIPHER). (I) 0710 - Another missense variant comparable to the one identified in this case has inconclusive previous evidence for pathogenicity. p.(Leu984Gln), which has a higher grantham score than our variant, has been reported as a VUS, however no further evidence was provided (LOVD). (I) 0807 - This variant has no previous evidence of pathogenicity. (I) 0905 - No published segregation evidence has been identified for this variant. (I) 1007 - No published functional evidence has been identified for this variant. (I) 1208 - Inheritance information for this variant is not currently available in this individual. (I) Legend: (SP) - Supporting pathogenic, (I) - Information, (SB) - Supporting benign

Literature cited by the submitters: PubMed 19878916 (cited by Victorian Clinical Genetics Services, Murdoch Childrens Research Institute); PubMed 24302620 (cited by Victorian Clinical Genetics Services, Murdoch Childrens Research Institute); PubMed 31260034 (cited by Victorian Clinical Genetics Services, Murdoch Childrens Research Institute).

NM_014014.5(SNRNP200):c.2951T>C (p.Leu984Pro)

Gene: SNRNP200 (small nuclear ribonucleoprotein U5 subunit 200; minus strand). Cytogenetic location: 2q11.2.
Variant type: single nucleotide variant.
Coding change: c.2951T>C on transcript NM_014014.5 (MANE Select); coding-DNA position 2951, T replaced by C.
Protein change: p.Leu984Pro; replaces leucine 984 with proline.
Molecular consequence: missense variant.
Genome position (GRCh38, 1-based): chr2:96,289,369, A>G on the plus strand (T>C on the coding strand, the complement: SNRNP200 is on the minus strand). VCF-style: chr2-96289369-A-G. GRCh37 (hg19) VCF-style: chr2-96955107-A-G.
Other names: short protein forms L984P.
Identifiers: ClinVar variation 2549472 (VCV002549472.3), dbSNP rs1231692709, ClinGen allele CA347674490.